The following is an entry in ClinVar:

ClinVar aggregate classification (germline): Likely benign (1 of 4 stars; one submission).

Conditions:
Arrhythmogenic cardiomyopathy with wooly hair and keratoderma. Also called: PALMOPLANTAR KERATODERMA WITH LEFT VENTRICULAR CARDIOMYOPATHY AND WOOLLY HAIR; Carvajal syndrome; Dilated cardiomyopathy with woolly hair and keratoderma; Arrhythmogenic cardiomyopathy with woolly hair and keratoderma. Identifiers: Orphanet 65282, MedGen C1854063, MONDO:0011581, OMIM 605676.

Allele frequency attached by ClinVar (database versions not stated): gnomAD exomes below 0.00001; ExAC 0.00001; gnomAD 0.00001.
gnomAD v4.1: 3 of 1,613,738 alleles (0.00019%); highest among the groups gnomAD compares: East Asian, 0.0022%; no homozygotes.

Submission:

All of Us Research Program, National Institutes of Health
Classification: Likely benign for Arrhythmogenic cardiomyopathy with wooly hair and keratoderma. Last evaluated: 2023-11-02. Review status: criteria provided, single submitter. Criteria: ACMG Guidelines, 2015. Collection method: clinical testing. Allele origin: germline. Inheritance: Autosomal dominant inheritance. Observed: 1 variant allele, 1 heterozygote.
Comment: This study involves interpretation of variants in research participants for the purpose of population health screening. Participant phenotype was not available at the time of variant classification. Additional details can be found in publication PMID: 35346344, PMCID: PMC8962531

NM_004415.4(DSP):c.423-9T>C

Gene: DSP (desmoplakin; plus strand). Cytogenetic location: 6p24.3.
Variant type: single nucleotide variant.
Coding change: c.423-9T>C on transcript NM_004415.4 (MANE Select); 9 bases into the intron before coding-DNA position 423, T replaced by C.
Molecular consequence: intron variant.
Genome position (GRCh38, 1-based): chr6:7,559,217, T>C. VCF-style: chr6-7559217-T-C. GRCh37 (hg19) VCF-style: chr6-7559450-T-C.
Other names: c.423-9T>C (NM_001319034.2, NM_001008844.3, NM_001406591.1).
Identifiers: ClinVar variation 3074256 (VCV003074256.1), dbSNP rs778862693, ClinGen allele CA040851.
Genomic context (GRCh38, chr6:7,559,217, plus strand): 5'-GAAATTTGCCCAGAACGGGTTTTCATAGGCTGTTTTCCTGCAGTGGTTTAAAGGTTTTTT[T>C]CTTTGCAGGCTTCTTCAGCTCCAAGAGCAAATGCGAGCCCTTTATAAAGCCATCAGTGTC-3'